The following is an entry in ClinVar:

NM_002677.5(PMP2):c.252C>G (p.Ile84Met)

Gene: PMP2 (peripheral myelin protein 2; minus strand). Cytogenetic location: 8q21.13.
Variant type: single nucleotide variant.
Coding change: c.252C>G on transcript NM_002677.5 (MANE Select); coding-DNA position 252, C replaced by G.
Protein change: p.Ile84Met; replaces isoleucine 84 with methionine.
Molecular consequence: missense variant.
Genome position (GRCh38, 1-based): chr8:81,444,596, G>C on the plus strand (C>G on the coding strand, the complement: PMP2 is on the minus strand). VCF-style: chr8-81444596-G-C. GRCh37 (hg19) VCF-style: chr8-82356831-G-C.
Other names: c.79C>G, p.Arg27Gly (NM_001348381.2); short protein forms I84M, R27G.
Identifiers: ClinVar variation 1516355 (VCV001516355.7), dbSNP rs149339630, ClinGen allele CA180357877.

ClinVar aggregate classification (germline): Uncertain significance. Review status: criteria provided, multiple submitters, no conflicts (2 of 4 stars). 2 submissions from 2 submitters: Uncertain significance (2). Last evaluated 2025-04-11.

Allele frequency attached by ClinVar (database versions not stated): ESP Exome Variant Server 0.00008.
gnomAD v4.1: 34 of 1,611,282 alleles (0.0021%); highest among the groups gnomAD compares: Admixed American, 0.01%; no homozygotes.

Submissions (2):

Labcorp Genetics (formerly Invitae), Labcorp
Classification: Uncertain significance. Last evaluated: 2025-04-11. Review status: criteria provided, single submitter. Criteria: Invitae Variant Classification Sherloc (09022015). Collection method: clinical testing. Allele origin: germline.
Comment: This sequence change replaces isoleucine, which is neutral and non-polar, with methionine, which is neutral and non-polar, at codon 84 of the PMP2 protein (p.Ile84Met). This variant is present in population databases (rs149339630, gnomAD 0.009%). This variant has not been reported in the literature in individuals affected with PMP2-related conditions. ClinVar contains an entry for this variant (Variation ID: 1516355). An algorithm developed to predict the effect of missense changes on protein structure and function (PolyPhen-2) suggests that this variant is likely to be tolerated. In summary, the available evidence is currently insufficient to determine the role of this variant in disease. Therefore, it has been classified as a Variant of Uncertain Significance.

Blueprint Genetics
Classification: Uncertain significance. Last evaluated: 2021-12-27. Review status: criteria provided, single submitter. Criteria: ACMG Guidelines, 2015. Collection method: clinical testing. Allele origin: germline.